The following is an entry in ClinVar:

ClinVar aggregate classification (germline): Conflicting classifications of pathogenicity. Review status: criteria provided, conflicting classifications (1 of 4 stars). 2 submissions from 2 submitters: Uncertain significance (1); Likely benign (1). Last evaluated 2025-08-25.

Conditions:
Emery-Dreifuss muscular dystrophy 5, autosomal dominant (EDMD5). Also called: EMERY-DREIFUSS MUSCULAR DYSTROPHY 5. Identifiers: Orphanet 261, MedGen C2751805, MONDO:0013072, OMIM 612999.

Allele frequency attached by ClinVar (database versions not stated): gnomAD exomes below 0.00001; TOPMed 0.00001; gnomAD 0.00003; ExAC 0.00006; 1000 Genomes Project 0.00060; 1000 Genomes Project 30x 0.00062.
gnomAD v4.1: 8 of 1,612,864 alleles (0.0005%); highest among the groups gnomAD compares: East Asian, 0.013%; 1 homozygote.

Submissions (2):

Ambry Genetics
Classification: Likely benign. Last evaluated: 2025-08-25. Review status: criteria provided, single submitter. Criteria: Ambry Variant Classification Scheme 2023. Collection method: clinical testing. Allele origin: germline.

Labcorp Genetics (formerly Invitae), Labcorp
Classification: Uncertain significance for Emery-Dreifuss muscular dystrophy 5, autosomal dominant. Last evaluated: 2025-07-31. Review status: criteria provided, single submitter. Criteria: Invitae Variant Classification Sherloc (09022015). Collection method: clinical testing. Allele origin: germline.
Comment: This sequence change replaces asparagine, which is neutral and polar, with serine, which is neutral and polar, at codon 685 of the SYNE2 protein (p.Asn685Ser). The frequency data for this variant in the population databases is considered unreliable, as metrics indicate poor data quality at this position in the gnomAD database. This variant has not been reported in the literature in individuals affected with SYNE2-related conditions. ClinVar contains an entry for this variant (Variation ID: 2066498). An algorithm developed to predict the effect of missense changes on protein structure and function outputs the following: PolyPhen-2: "Benign". The serine amino acid residue is found in multiple mammalian species, which suggests that this missense change does not adversely affect protein function. In summary, the available evidence is currently insufficient to determine the role of this variant in disease. Therefore, it has been classified as a Variant of Uncertain Significance.

NM_182914.3(SYNE2):c.2054A>G (p.Asn685Ser)

Gene: SYNE2 (spectrin repeat containing nuclear envelope protein 2; plus strand). Cytogenetic location: 14q23.2.
Variant type: single nucleotide variant.
Coding change: c.2054A>G on transcript NM_182914.3 (MANE Select); coding-DNA position 2054, A replaced by G.
Protein change: p.Asn685Ser; replaces asparagine 685 with serine.
Molecular consequence: missense variant.
Genome position (GRCh38, 1-based): chr14:63,983,789, A>G. VCF-style: chr14-63983789-A-G. GRCh37 (hg19) VCF-style: chr14-64450507-A-G.
Other names: c.2054A>G, p.Asn685Ser (NM_015180.6); c.2054A>G (NM_182914.2); short protein forms N685S.
Identifiers: ClinVar variation 2066498 (VCV002066498.5), dbSNP rs193131713, ClinGen allele CA7219593.
Genomic context (GRCh38, chr14:63,983,789, plus strand): 5'-TTGTATAGGAAATGAACCTGCCACTGATGATAAAAAAACAGGATCAGCCCACTTTTGACA[A>G]TTCTGGAAATATTCTATCTAAAGAAGAGAAAGCAACTGTTGAGTTTTCAACAGATATGTC-3'
Protein context (NP_878918.2, residues 675-695): IKKQDQPTFD[Asn685Ser]SGNILSKEEK